The following is an entry in ClinVar:

ClinVar aggregate classification (germline): Conflicting classifications of pathogenicity. Review status: criteria provided, conflicting classifications (1 of 4 stars). 11 submissions from 11 submitters: Uncertain significance (4); Benign (2); Likely benign (4). 1 of the submissions does not count toward it. Last evaluated 2026-05-01.

Conditions:
Monosomy 7 myelodysplasia and leukemia syndrome 1. Also called: CHROMOSOME 7q DELETION; Familial Mosaic Monosomy 7 Syndrome; Monosomy 7 of bone marrow. Identifiers: MedGen C1854978, MONDO:0009646, OMIM 252270.
Ataxia-pancytopenia syndrome (ATXPC). Also called: SAMD9L Ataxia-Pancytopenia Syndrome; SAMD9L-Related Syndrome. Identifiers: Orphanet 2585, MedGen C1327919, MONDO:0008038, OMIM 159550.
Spinocerebellar ataxia 49 (SCA49). Identifiers: Orphanet 631106, MedGen C5676950, MONDO:0030805, OMIM 619806.
Hereditary cancer. Identifiers: MedGen C1333600.
SAMD9L-related disorder. Also called: SAMD9L-related disorders; SAMD9L-related condition.
Primary ciliary dyskinesia. Also called: Ciliary dyskinesia. Identifiers: Orphanet 244, MedGen C0008780, MONDO:0016575, HP:0012265.

Allele frequency attached by ClinVar (database versions not stated): ESP Exome Variant Server 0.00100; TOPMed 0.00102; gnomAD exomes 0.00137 and 0.00191; ExAC 0.00212; gnomAD 0.00215 and 0.00229.
gnomAD v4.1: 2,299 of 1,613,088 alleles (0.14%); highest among the groups gnomAD compares: Non-Finnish European, 0.15%; 10 homozygotes.

Submissions (11):

CeGaT Center for Human Genetics Tuebingen
Classification: Likely benign. Last evaluated: 2026-05-01. Review status: criteria provided, single submitter. Criteria: CeGaT Center For Human Genetics Tuebingen Variant Classification Criteria Version 2. Collection method: clinical testing. Allele origin: germline. Affected: yes. Observed: 12 variant alleles.
Comment: SAMD9L: BS1

Department of Human Genetics, Hannover Medical School
Classification: Uncertain significance for Primary Ciliary Dyskinesia. Last evaluated: 2026-04-01. Review status: criteria provided, single submitter. Criteria: ACMG Guidelines, 2015. Collection method: research. Allele origin: germline. Affected: no.
Comment: Classification performed by HerediClassify using the following criteria:['PM2_supporting: Variant occures does not occur as homozygous in gnomAD.', 'PVS1_protein_strong: Transcript ENST00000318238 is not predicted to undergo NMD. Protein length change of 0.7443181818181819 observed.']

Petrovsky National Research Centre of Surgery, The Federal Agency for Scientific Organizations
Classification: Uncertain significance for Hereditary cancer. Last evaluated: 2026-03-24. Review status: criteria provided, single submitter. Criteria: ACMG Guidelines, 2015. Collection method: clinical testing. Allele origin: germline. Affected: yes. Observed: 1 variant allele.
Comment: The variant is in The Genome Aggregation Database (gnomAD) v4.1.0 with total 0.001425. (Date of access 2026-03-24). In accordance with ACMG (2015) criteria this variant is classified as Uncertain significance with following criteria selected: BS1.

Labcorp Genetics (formerly Invitae), Labcorp
Classification: Benign. Last evaluated: 2026-02-02. Review status: criteria provided, single submitter. Criteria: Invitae Variant Classification Sherloc (09022015). Collection method: clinical testing. Allele origin: germline.

Mayo Clinic Laboratories, Mayo Clinic
Classification: Benign. Last evaluated: 2025-09-25. Review status: criteria provided, single submitter. Criteria: ACMG Guidelines, 2015. Collection method: clinical testing. Allele origin: germline. Observed: 4 variant alleles.
Comment: BA1, BS2

GeneDx
Classification: Uncertain significance. Last evaluated: 2024-12-03. Review status: criteria provided, single submitter. Criteria: GeneDx Variant Classification Process June 2021. Collection method: clinical testing. Allele origin: germline. Affected: yes.
Comment: Nonsense variant predicted to result in protein truncation as the last 1179 amino acid(s) are lost with an unclear effect on protein function; Published functional studies demonstrate reduced mRNA expression compared to wildtype (PMID: 30211214); Observed in an individual with pheochromocytoma (PMID: 30211214); This variant is associated with the following publications: (PMID: 30223864, 28545555, 30211214)

Blueprint Genetics
Classification: Likely benign. Last evaluated: 2024-11-27. Review status: criteria provided, single submitter. Criteria: ACMG Guidelines, 2015. Collection method: clinical testing. Allele origin: germline.

ARUP Laboratories, Molecular Genetics and Genomics, ARUP Laboratories
Classification: Likely benign. Last evaluated: 2024-10-04. Review status: criteria provided, single submitter. Criteria: ARUP Molecular Germline Variant Investigation Process 2024. Collection method: clinical testing. Allele origin: germline.

Genetic Services Laboratory, University of Chicago
Classification: Likely benign. Last evaluated: 2021-09-14. Review status: criteria provided, single submitter. Criteria: ACMG Guidelines, 2015. Collection method: clinical testing. Allele origin: germline. Affected: no.

Center for Genomics, Ann and Robert H. Lurie Children's Hospital of Chicago
Classification: Uncertain significance for Ataxia-pancytopenia syndrome; Monosomy 7 myelodysplasia and leukemia syndrome 1; Spinocerebellar ataxia 49. Review status: criteria provided, single submitter. Criteria: ACMG Guidelines, 2015. Collection method: clinical testing. Allele origin: germline.
Comment: This variant has not been reported in the literature in association with ataxia-pancytopenia syndrome. It is present in the Genome Aggregation Database (Highest reported MAF: 0.5% [135/24588], including in 2 homozygotes), and in ClinVar (Variation ID: 774190). Evolutionary conservation and computational predictive tools for this variant are limited or unavailable. This variant creates a premature stop at this codon which results in an absent or abnormal protein. However, there is insufficient evidence to establish loss of function (LOF) as a mechanism of disease for this gene at this time. A functional study has suggested that this variant may impact expression of this gene (Urbini 2018 PMID: 30211214). However, this may not accurately represent in vivo biological function. In summary, data on this variant is insufficient for disease classification. Therefore, the clinical significance of this variant is uncertain.

PreventionGenetics, part of Exact Sciences
Classification: Likely benign for SAMD9L-related condition. Last evaluated: 2020-02-19. Review status: no assertion criteria provided. Collection method: clinical testing. Allele origin: germline. Not counted in ClinVar's aggregate classification.
Comment: This variant is classified as likely benign based on ACMG/AMP sequence variant interpretation guidelines (Richards et al. 2015 PMID: 25741868, with internal and published modifications).

Literature cited by the submitters: PubMed 30211214 (cited by Mayo Clinic Laboratories, Mayo Clinic); PubMed 34621053 (cited by Mayo Clinic Laboratories, Mayo Clinic).

NM_152703.5(SAMD9L):c.1216C>T (p.Arg406Ter)

Gene: SAMD9L (sterile alpha motif domain containing 9 like; minus strand). Cytogenetic location: 7q21.2.
Variant type: single nucleotide variant.
Coding change: c.1216C>T on transcript NM_152703.5 (MANE Select); coding-DNA position 1216, C replaced by T.
Protein change: p.Arg406Ter; replaces arginine 406 with a stop codon.
Molecular consequence: nonsense.
Genome position (GRCh38, 1-based): chr7:93,134,756, G>A on the plus strand (C>T on the coding strand, the complement: SAMD9L is on the minus strand). VCF-style: chr7-93134756-G-A. GRCh37 (hg19) VCF-style: chr7-92764069-G-A.
Other names: p.Arg406*; c.1216C>T, p.Arg406Ter (NM_001303496.3, NM_001303497.3, NM_001303498.3 and 5 more transcripts); short protein forms R406*.
Identifiers: ClinVar variation 774190 (VCV000774190.54), dbSNP rs150070697, ClinGen allele CA4343752.